The following is an entry in ClinVar:

NM_004380.3(CREBBP):c.2181G>T (p.Met727Ile)

Gene: CREBBP (CREB binding lysine acetyltransferase; minus strand). Cytogenetic location: 16p13.3.
Variant type: single nucleotide variant.
Coding change: c.2181G>T on transcript NM_004380.3 (MANE Select); coding-DNA position 2181, G replaced by T.
Protein change: p.Met727Ile; replaces methionine 727 with isoleucine.
Molecular consequence: missense variant.
Genome position (GRCh38, 1-based): chr16:3,774,671, C>A on the plus strand (G>T on the coding strand, the complement: CREBBP is on the minus strand). VCF-style: chr16-3774671-C-A. GRCh37 (hg19) VCF-style: chr16-3824672-C-A.
Other names: c.2067G>T, p.Met689Ile (NM_001079846.1); short protein forms M727I, M689I.
Identifiers: ClinVar variation 2762221 (VCV002762221.3), dbSNP rs776898396, ClinGen allele CA394553387.

ClinVar aggregate classification (germline): Uncertain significance (1 of 4 stars; one submission).

Conditions:
Rubinstein-Taybi syndrome (RSTS). Identifiers: Orphanet 783, MedGen C0035934, MONDO:0019188.

Submission:

Labcorp Genetics (formerly Invitae), Labcorp
Classification: Uncertain significance for Rubinstein-Taybi syndrome. Last evaluated: 2023-10-05. Review status: criteria provided, single submitter. Criteria: Invitae Variant Classification Sherloc (09022015). Collection method: clinical testing. Allele origin: germline.
Comment: This sequence change replaces methionine, which is neutral and non-polar, with isoleucine, which is neutral and non-polar, at codon 727 of the CREBBP protein (p.Met727Ile). This variant is not present in population databases (gnomAD no frequency). This variant has not been reported in the literature in individuals affected with CREBBP-related conditions. Advanced modeling of protein sequence and biophysical properties (such as structural, functional, and spatial information, amino acid conservation, physicochemical variation, residue mobility, and thermodynamic stability) performed at Invitae indicates that this missense variant is not expected to disrupt CREBBP protein function. In summary, the available evidence is currently insufficient to determine the role of this variant in disease. Therefore, it has been classified as a Variant of Uncertain Significance.